The following is an entry in ClinVar:

ClinVar aggregate classification (germline): Pathogenic. Review status: criteria provided, multiple submitters, no conflicts (2 of 4 stars). 10 submissions from 10 submitters: Pathogenic (8). 2 of the submissions do not count toward it. Last evaluated 2025-11-01.

Conditions:
Microcephalic osteodysplastic dysplasia, Saul-Wilson type. Also called: MICROCEPHALIC OSTEODYSPLASTIC DYSPLASIA; Saul-Wilson Syndrome. Identifiers: Orphanet 85172, MedGen C4509877, MONDO:0019407, OMIM 618150.
Inborn genetic diseases. Identifiers: MedGen C0950123, MeSH D030342.
COG4-congenital disorder of glycosylation. Also called: CONGENITAL DISORDER OF GLYCOSYLATION, TYPE IIj; CDG IIj; COG4-CDG. Identifiers: Orphanet 263501, MedGen C4303552, MONDO:0013281, OMIM 613489.

Submissions (10):

CeGaT Center for Human Genetics Tuebingen
Classification: Pathogenic. Last evaluated: 2025-11-01. Review status: criteria provided, single submitter. Criteria: CeGaT Center For Human Genetics Tuebingen Variant Classification Criteria Version 2. Collection method: clinical testing. Allele origin: germline. Affected: yes. Observed: 1 variant allele.
Comment: COG4: PM6:Strong, PS1, PM2, PS4:Moderate, PS3:Supporting

Variantyx, Inc.
Classification: Pathogenic for Microcephalic osteodysplastic dysplasia, Saul-Wilson type. Last evaluated: 2025-07-23. Review status: criteria provided, single submitter. Criteria: Variantyx Assertion Criteria 2022. Collection method: clinical testing. Allele origin: de novo. Inheritance: Autosomal dominant inheritance. Affected: yes.
Comment: This is a nonsynonymous variant in the COG4 gene (OMIM: 606976). Pathogenic variants in this gene have been associated with autosomal dominant Saul-Wilson syndrome. The alteration has been reported in at least ten unrelated affected individuals (PMID: 30290151) (PS4_Moderate). Computational algorithms produce conflicting evidence regarding the predicted functional impact of this variant (REVEL score: 0.378), but functional studies have shown that this variant alters COG4 protein function (PMID: 34595172, 34603392) (PS3_Moderate), and an alternate nucleotide substitution resulting in the same amino acid change (c.1546G>C) has been previously reported as pathogenic (PMID:30290151) (PS1). This variant is absent from control populations (PM2). Based on the current evidence, this variant is classified as pathogenic for autosomal dominant Saul-Wilson syndrome.

GeneDx
Classification: Pathogenic. Last evaluated: 2022-11-23. Review status: criteria provided, single submitter. Criteria: GeneDx Variant Classification Process June 2021. Collection method: clinical testing. Allele origin: germline. Affected: yes.
Comment: Published functional studies demonstrate a significant increase in core proteins of HSPGs accumulation on the cell surface of G516R mutant cell lines and increased secretion of the SIL1 protein; findings which support a gain of function effect of the G516R variant (Sumya et al., 2021); Not observed at significant frequency in large population cohorts (gnomAD); In silico analysis supports that this missense variant does not alter protein structure/function; This variant is associated with the following publications: (PMID: 34603392, 31949312, 30290151, 33688625, 34595172, 35455576, 36393834)

Ambry Genetics
Classification: Pathogenic for Inborn genetic diseases. Last evaluated: 2021-09-17. Review status: criteria provided, single submitter. Criteria: Ambry Variant Classification Scheme 2023. Collection method: clinical testing. Allele origin: germline.
Comment: The c.1546G>A (p.G516R) alteration is located in exon 12 (coding exon 12) of the COG4 gene. This alteration results from a G to A substitution at nucleotide position 1546, causing the glycine (G) at amino acid position 516 to be replaced by an arginine (R). This variant was not reported in population-based cohorts in the Genome Aggregation Database (gnomAD). The p.G516R alteration has been reported as a recurrent de novo alteration in several patients with Saul-Wilson syndrome (Ferreira, 2018). This amino acid position is highly conserved in available vertebrate species. Fibroblasts from patients with the p.G516R alteration have been shown to have abnormal Golgi morphology and decreased Golgi volume compared to control samples. Glycan analysis and glycosylation status were not measurably different between patients and controls; however there was evidence of altered Golgi-dependent glycosylation and abnormal Golgi trafficking in patients (Ferreira, 2018) . The in silico prediction for this alteration is inconclusive. Based on the available evidence, this alteration is classified as pathogenic.

Athena Diagnostics
Classification: Pathogenic. Last evaluated: 2020-10-08. Review status: criteria provided, single submitter. Criteria: Athena Diagnostics Criteria. Collection method: clinical testing. Allele origin: unknown.
Comment: This variant has not been reported in large, multi-ethnic general populations. Computational tools yielded predictions that this amino acid change may be damaging to the protein. This observation is not an independent occurrence and has been identified in the same individual by RCIGM, the other laboratory participating in the GEMINI study.

Revvity Omics, Revvity
Classification: Pathogenic. Last evaluated: 2020-03-31. Review status: criteria provided, single submitter. Criteria: ACMG Guidelines, 2015. Collection method: clinical testing. Allele origin: germline.

SIB Swiss Institute of Bioinformatics
Classification: Pathogenic for Microcephalic osteodysplastic dysplasia, Saul-Wilson type. Last evaluated: 2019-07-11. Review status: criteria provided, single submitter. Criteria: ACMG Guidelines, 2015. Collection method: curation. Allele origin: unknown.
Comment: This variant is interpreted as a Pathogenic for Saul-Wilson syndrome, autosomal dominant. The following ACMG Tag(s) were applied: PM2; PS4-Moderate; PM6-Strong; PP3; PS3

Undiagnosed Diseases Network, NIH
Classification: Pathogenic for COG4-congenital disorder of glycosylation. Last evaluated: 2017-08-23. Review status: criteria provided, single submitter. Criteria: ACMG Guidelines, 2015. Collection method: research. Allele origin: de novo. Inheritance: Autosomal dominant inheritance. Affected: yes. Observed: 1 variant allele, 1 heterozygote. Study: Undiagnosed Diseases Network (NIH), UDN.

OMIM
Classification: Pathogenic for SAUL-WILSON SYNDROME. Last evaluated: 2018-11-29. Review status: no assertion criteria provided. Collection method: literature only. Allele origin: germline. Not counted in ClinVar's aggregate classification.

GeneReviews
No classification provided. Condition: Microcephalic osteodysplastic dysplasia, Saul-Wilson type. Review status: no classification provided. Collection method: literature only. Allele origin: germline. Not counted in ClinVar's aggregate classification.

Literature cited by the submitters: PubMed 30290151 (cited by 4 submitters); PubMed 34595172 (cited by Variantyx, Inc.); PubMed 34603392 (cited by Variantyx, Inc.); PubMed 8074143 (cited by OMIM); PubMed 31949312 (cited by GeneReviews); PubMed 32078278 (cited by GeneReviews).

NM_015386.3(COG4):c.1546G>A (p.Gly516Arg)

Gene: COG4 (component of oligomeric golgi complex 4; minus strand). Cytogenetic location: 16q22.1.
Variant type: single nucleotide variant.
Coding change: c.1546G>A on transcript NM_015386.3 (MANE Select); coding-DNA position 1546, G replaced by A.
Protein change: p.Gly516Arg; replaces glycine 516 with arginine.
Molecular consequence: missense variant. On other transcripts: non-coding transcript variant (1).
Genome position (GRCh38, 1-based): chr16:70,496,367, C>T on the plus strand (G>A on the coding strand, the complement: COG4 is on the minus strand). VCF-style: chr16-70496367-C-T. GRCh37 (hg19) VCF-style: chr16-70530270-C-T.
Other names: COG4, GLY516ARG, 1546G-A; c.1534G>A, p.Gly512Arg (NM_001195139.2); c.1120G>A, p.Gly374Arg (NM_001365426.1); short protein forms G516R, G374R, G512R.
Identifiers: ClinVar variation 449730 (VCV000449730.27), dbSNP rs1555575860, ClinGen allele CA396572437.
Genomic context (GRCh38, chr16:70,496,367, plus strand): 5'-TTGTGTCAAATTTGCCTTGCTGGAGGCTGCTGTGCATGATGTTCACGGCACTTGTCACCC[C>T]GCGCTGGATGTCCTGGAAGGTGGTGGCAGGAAAGCCCATCCGCAGCTTATTACACAGAAC-3'
Protein context (NP_056201.2, residues 506-526): PATTFQDIQR[Gly516Arg]VTSAVNIMHS